The following is an entry in ClinVar:

NM_001903.5(CTNNA1):c.567T>G (p.Ile189Met)

Gene: CTNNA1 (catenin alpha 1; plus strand). Cytogenetic location: 5q31.2.
Variant type: single nucleotide variant.
Coding change: c.567T>G on transcript NM_001903.5 (MANE Select); coding-DNA position 567, T replaced by G.
Protein change: p.Ile189Met; replaces isoleucine 189 with methionine.
Molecular consequence: missense variant.
Genome position (GRCh38, 1-based): chr5:138,812,281, T>G. VCF-style: chr5-138812281-T-G. GRCh37 (hg19) VCF-style: chr5-138147970-T-G.
Other names: c.258T>G, p.Ile86Met (NM_001290309.3); c.198T>G, p.Ile66Met (NM_001290310.3); c.567T>G, p.Ile189Met (NM_001323982.2, NM_001323983.1, NM_001323984.2 and 3 more transcripts); short protein forms I86M, I189M, I66M.
Identifiers: ClinVar variation 4007992 (VCV004007992.2).

ClinVar aggregate classification (germline): Uncertain significance. Review status: criteria provided, multiple submitters, no conflicts (2 of 4 stars). 2 submissions from 2 submitters: Uncertain significance (2). Last evaluated 2025-05-09.

Conditions:
Hereditary cancer-predisposing syndrome. Also called: Tumor predisposition; Hereditary neoplastic syndrome; Neoplastic Syndromes, Hereditary; Hereditary Cancer Syndrome. Identifiers: Orphanet 140162, MedGen C0027672, MeSH D009386, MONDO:0015356.

Submissions (2):

Ambry Genetics
Classification: Uncertain significance for Hereditary cancer-predisposing syndrome. Last evaluated: 2025-05-09. Review status: criteria provided, single submitter. Criteria: Ambry Variant Classification Scheme 2023. Collection method: clinical testing. Allele origin: germline.
Comment: The p.I189M variant (also known as c.567T>G), located in coding exon 4 of the CTNNA1 gene, results from a T to G substitution at nucleotide position 567. The isoleucine at codon 189 is replaced by methionine, an amino acid with highly similar properties. This amino acid position is conserved. In addition, this alteration is predicted to be tolerated by in silico analysis. Based on the available evidence, the clinical significance of this variant remains unclear.

Labcorp Genetics (formerly Invitae), Labcorp
Classification: Uncertain significance. Last evaluated: 2025-03-11. Review status: criteria provided, single submitter. Criteria: Invitae Variant Classification Sherloc (09022015). Collection method: clinical testing. Allele origin: germline.
Comment: This sequence change replaces isoleucine, which is neutral and non-polar, with methionine, which is neutral and non-polar, at codon 189 of the CTNNA1 protein (p.Ile189Met). This variant is not present in population databases (gnomAD no frequency). This variant has not been reported in the literature in individuals affected with CTNNA1-related conditions. Invitae Evidence Modeling of protein sequence and biophysical properties (such as structural, functional, and spatial information, amino acid conservation, physicochemical variation, residue mobility, and thermodynamic stability) indicates that this missense variant is not expected to disrupt CTNNA1 protein function with a negative predictive value of 80%. In summary, the available evidence is currently insufficient to determine the role of this variant in disease. Therefore, it has been classified as a Variant of Uncertain Significance.